The following is an entry in ClinVar:

NR_026997.1(MIR3667HG):n.1449G>C

Gene: MIR3667HG (MIR3667 host gene; minus strand). Cytogenetic location: 22q13.33.
Variant type: single nucleotide variant.
Genome position: GRCh38 VCF-style: chr22-49624243-C-G. GRCh37 (hg19) VCF-style: chr22-50017891-C-G.
Identifiers: ClinVar variation 2653348 (VCV002653348.24), dbSNP rs1316155252, ClinGen allele CA640361560.

ClinVar aggregate classification (germline): Likely benign (1 of 4 stars; one submission).

Submission:

CeGaT Center for Human Genetics Tuebingen
Classification: Likely benign. Last evaluated: 2024-03-01. Review status: criteria provided, single submitter. Criteria: CeGaT Center For Human Genetics Tuebingen Variant Classification Criteria Version 2. Collection method: clinical testing. Allele origin: germline. Affected: yes. Observed: 2 variant alleles.
Comment: MIR3667HG: BP4, BP7